The following is an entry in ClinVar:

NM_020778.5(ALPK3):c.3410C>T (p.Pro1137Leu)

Gene: ALPK3 (alpha kinase 3; plus strand). Cytogenetic location: 15q25.3.
Variant type: single nucleotide variant.
Coding change: c.3410C>T on transcript NM_020778.5 (MANE Select); coding-DNA position 3410, C replaced by T.
Protein change: p.Pro1137Leu; replaces proline 1137 with leucine.
Molecular consequence: missense variant.
Genome position (GRCh38, 1-based): chr15:84,858,148, C>T. VCF-style: chr15-84858148-C-T. GRCh37 (hg19) VCF-style: chr15-85401379-C-T.
Other names: short protein forms P1137L.
Identifiers: ClinVar variation 1737061 (VCV001737061.8), dbSNP rs755094584, ClinGen allele CA7709623.

ClinVar aggregate classification (germline): Uncertain significance. Review status: criteria provided, multiple submitters, no conflicts (2 of 4 stars). 2 submissions from 2 submitters: Uncertain significance (2). Last evaluated 2025-12-01.

Conditions:
Cardiovascular phenotype. Identifiers: MedGen CN230736.

Allele frequency attached by ClinVar (database versions not stated): gnomAD 0.00001; gnomAD exomes below 0.00001; ExAC 0.00001; TOPMed 0.00002.
gnomAD v4.1: 4 of 1,605,332 alleles (0.00025%); highest among the groups gnomAD compares: African/African-American, 0.004%; no homozygotes.

Submissions (2):

Labcorp Genetics (formerly Invitae), Labcorp
Classification: Uncertain significance. Last evaluated: 2025-12-01. Review status: criteria provided, single submitter. Criteria: Invitae Variant Classification Sherloc (09022015). Collection method: clinical testing. Allele origin: germline.
Comment: This sequence change replaces proline, which is neutral and non-polar, with leucine, which is neutral and non-polar, at codon 1339 of the ALPK3 protein (p.Pro1339Leu). This variant is present in population databases (rs755094584, gnomAD 0.009%). This variant has not been reported in the literature in individuals affected with ALPK3-related conditions. ClinVar contains an entry for this variant (Variation ID: 1737061). Invitae Evidence Modeling of protein sequence and biophysical properties (such as structural, functional, and spatial information, amino acid conservation, physicochemical variation, residue mobility, and thermodynamic stability) indicates that this missense variant is not expected to disrupt ALPK3 protein function with a negative predictive value of 80%. In summary, the available evidence is currently insufficient to determine the role of this variant in disease. Therefore, it has been classified as a Variant of Uncertain Significance.

Ambry Genetics
Classification: Uncertain significance for Cardiovascular phenotype. Last evaluated: 2025-04-05. Review status: criteria provided, single submitter. Criteria: Ambry Variant Classification Scheme 2023. Collection method: clinical testing. Allele origin: germline.
Comment: The p.P1339L variant (also known as c.4016C>T), located in coding exon 6 of the ALPK3 gene, results from a C to T substitution at nucleotide position 4016. The proline at codon 1339 is replaced by leucine, an amino acid with similar properties. This amino acid position is conserved. In addition, this alteration is predicted to be tolerated by in silico analysis. Since supporting evidence is limited at this time, the clinical significance of this alteration remains unclear.